The following is an entry in ClinVar:

ClinVar aggregate classification (germline): Uncertain significance (1 of 4 stars; one submission).

Conditions:
Peripheral neuropathy. Also called: Neuropathy. Identifiers: MedGen C0031117, MONDO:0005244, HP:0009830.

Allele frequency attached by ClinVar (database versions not stated): gnomAD exomes below 0.00001.
gnomAD v4.1: 3 of 1,613,962 alleles (0.00019%); highest among the groups gnomAD compares: South Asian, 0.0011%; no homozygotes.

Submission:

Labcorp Genetics (formerly Invitae), Labcorp
Classification: Uncertain significance for Peripheral neuropathy. Last evaluated: 2022-11-22. Review status: criteria provided, single submitter. Criteria: Invitae Variant Classification Sherloc (09022015). Collection method: clinical testing. Allele origin: germline.
Comment: ClinVar contains an entry for this variant (Variation ID: 1015495). This variant has not been reported in the literature in individuals affected with FLRT1-related conditions. This variant is not present in population databases (gnomAD no frequency). This sequence change replaces arginine, which is basic and polar, with histidine, which is basic and polar, at codon 59 of the FLRT1 protein (p.Arg59His). In summary, the available evidence is currently insufficient to determine the role of this variant in disease. Therefore, it has been classified as a Variant of Uncertain Significance. Advanced modeling of protein sequence and biophysical properties (such as structural, functional, and spatial information, amino acid conservation, physicochemical variation, residue mobility, and thermodynamic stability) has been performed at Invitae for this missense variant, however the output from this modeling did not meet the statistical confidence thresholds required to predict the impact of this variant on FLRT1 protein function.

NM_013280.5(FLRT1):c.176G>A (p.Arg59His)

Genes: FLRT1 (fibronectin leucine rich transmembrane protein 1; plus strand), MACROD1 (mono-ADP ribosylhydrolase 1; minus strand). Cytogenetic location: 11q13.1.
Variant type: single nucleotide variant.
Coding change: c.176G>A on transcript NM_013280.5 (MANE Select); coding-DNA position 176, G replaced by A.
Protein change: p.Arg59His; replaces arginine 59 with histidine.
Molecular consequence: missense variant. On other transcripts: intron variant (2).
Genome position (GRCh38, 1-based): chr11:64,116,443, G>A. VCF-style: chr11-64116443-G-A. GRCh37 (hg19) VCF-style: chr11-63883915-G-A.
Other names: c.176G>A, p.Arg59His (NM_001384466.1); c.92G>A, p.Arg31His (NM_001423967.1); c.517+34796C>T (NM_001411019.1, NM_014067.4); short protein forms R59H, R31H.
Identifiers: ClinVar variation 1015495 (VCV001015495.8), dbSNP rs1944983108, ClinGen allele CA381056796.